The following is an entry in ClinVar:

NM_001271938.2(MEGF8):c.5197C>T (p.Arg1733Cys)

Gene: MEGF8 (multiple EGF like domains 8; plus strand). Cytogenetic location: 19q13.2.
Variant type: single nucleotide variant.
Coding change: c.5197C>T on transcript NM_001271938.2 (MANE Select); coding-DNA position 5197, C replaced by T.
Protein change: p.Arg1733Cys; replaces arginine 1733 with cysteine.
Molecular consequence: missense variant.
Genome position (GRCh38, 1-based): chr19:42,358,808, C>T. VCF-style: chr19-42358808-C-T. GRCh37 (hg19) VCF-style: chr19-42862960-C-T.
Other names: c.4996C>T, p.Arg1666Cys (NM_001410.3); short protein forms R1733C, R1666C.
Identifiers: ClinVar variation 4737369 (VCV004737369.1).

ClinVar aggregate classification (germline): Uncertain significance (1 of 4 stars; one submission).

Conditions:
MEGF8-related Carpenter syndrome. Also called: Carpenter syndrome 2. Identifiers: Orphanet 65759, MedGen C3554247, MONDO:0013998, OMIM 614976.

gnomAD v4.1: 33 of 1,580,540 alleles (0.0021%); highest among the groups gnomAD compares: African/African-American, 0.0081%; no homozygotes.

Submission:

Labcorp Genetics (formerly Invitae), Labcorp
Classification: Uncertain significance for MEGF8-related Carpenter syndrome. Last evaluated: 2025-08-04. Review status: criteria provided, single submitter. Criteria: Invitae Variant Classification Sherloc (09022015). Collection method: clinical testing. Allele origin: germline.
Comment: This sequence change replaces arginine, which is basic and polar, with cysteine, which is neutral and slightly polar, at codon 1666 of the MEGF8 protein (p.Arg1666Cys). The frequency data for this variant in the population databases is considered unreliable, as metrics indicate poor data quality at this position in the gnomAD database. This variant has not been reported in the literature in individuals affected with MEGF8-related conditions. An algorithm developed to predict the effect of missense changes on protein structure and function (PolyPhen-2) suggests that this variant is likely to be tolerated. In summary, the available evidence is currently insufficient to determine the role of this variant in disease. Therefore, it has been classified as a Variant of Uncertain Significance.